The following is an entry in ClinVar:

ClinVar aggregate classification (germline): Uncertain significance (1 of 4 stars; one submission).

Submission:

GeneDx
Classification: Uncertain significance. Last evaluated: 2025-08-11. Review status: criteria provided, single submitter. Criteria: GeneDx Variant Classification Process June 2021. Collection method: clinical testing. Allele origin: germline. Affected: yes.
Comment: Not observed at significant frequency in large population cohorts (gnomAD); In silico analysis suggests that this variant does not alter splicing; Has not been previously published as pathogenic or benign to our knowledge

NM_001379180.1(ESRRB):c.1120+5G>C

Gene: ESRRB (estrogen related receptor beta; plus strand). Cytogenetic location: 14q24.3.
Variant type: single nucleotide variant.
Coding change: c.1120+5G>C on transcript NM_001379180.1 (MANE Select); 5 bases into the intron after coding-DNA position 1120, G replaced by C.
Molecular consequence: intron variant.
Genome position (GRCh38, 1-based): chr14:76,491,721, G>C. VCF-style: chr14-76491721-G-C. GRCh37 (hg19) VCF-style: chr14-76958064-G-C.
Other names: c.1072+5G>C (NM_001411038.1); c.1057+5G>C (NM_004452.4).
Identifiers: ClinVar variation 4795519 (VCV004795519.1).